The following is an entry in ClinVar:

ClinVar aggregate classification (germline): Uncertain significance. Review status: criteria provided, multiple submitters, no conflicts (2 of 4 stars). 5 submissions from 5 submitters: Uncertain significance (5). Last evaluated 2025-06-27.

Conditions:
Autosomal recessive limb-girdle muscular dystrophy type 2J (LGMDR10). Also called: Limb-girdle muscular dystrophy, type 2J; MUSCULAR DYSTROPHY, LIMB-GIRDLE, AUTOSOMAL RECESSIVE 10. Identifiers: Orphanet 140922, MedGen C1837342, MONDO:0012127, OMIM 608807.
Dilated cardiomyopathy 1G (CMD1G). Identifiers: Orphanet 154, MedGen C1858763, MONDO:0011400, OMIM 604145.

Allele frequency attached by ClinVar (database versions not stated): TOPMed 0.00002; gnomAD exomes 0.00001; gnomAD 0.00001.
gnomAD v4.1: 13 of 1,613,864 alleles (0.00081%); highest among the groups gnomAD compares: African/African-American, 0.0013%; no homozygotes.

Submissions (5):

Revvity Omics, Revvity
Classification: Uncertain significance. Last evaluated: 2025-06-27. Review status: criteria provided, single submitter. Criteria: ACMG Guidelines, 2015. Collection method: clinical testing. Allele origin: germline.

Labcorp Genetics (formerly Invitae), Labcorp
Classification: Uncertain significance for Dilated cardiomyopathy 1G; Autosomal recessive limb-girdle muscular dystrophy type 2J. Last evaluated: 2025-06-15. Review status: criteria provided, single submitter. Criteria: Invitae Variant Classification Sherloc (09022015). Collection method: clinical testing. Allele origin: germline.
Comment: This sequence change replaces glutamic acid, which is acidic and polar, with aspartic acid, which is acidic and polar, at codon 34984 of the TTN protein (p.Glu34984Asp). This variant is not present in population databases (gnomAD no frequency). This variant has not been reported in the literature in individuals affected with TTN-related conditions. ClinVar contains an entry for this variant (Variation ID: 448766). Experimental studies and prediction algorithms are not available or were not evaluated, and the functional significance of this variant is currently unknown. This variant is located in the M band of TTN (PMID: 25589632). Non-truncating variants in this region may be relevant for neuromuscular disorders, but have not been definitively shown to cause cardiomyopathy (PMID: 23975875). In summary, the available evidence is currently insufficient to determine the role of this variant in disease. Therefore, it has been classified as a Variant of Uncertain Significance.

GeneDx
Classification: Uncertain significance. Last evaluated: 2024-06-14. Review status: criteria provided, single submitter. Criteria: GeneDx Variant Classification Process June 2021. Collection method: clinical testing. Allele origin: germline.
Comment: Not observed at significant frequency in large population cohorts (gnomAD); Located in the M-line region of TTN in which the majority of loss of function variants have been associated with autosomal recessive titinopathies (PMID: 17444505); Missense variant in a gene in which most reported pathogenic variants are truncating/loss of function; Has not been previously published as pathogenic or benign to our knowledge; This variant is associated with the following publications: (PMID: 17444505)

Mayo Clinic Laboratories, Mayo Clinic
Classification: Uncertain significance. Last evaluated: 2022-12-23. Review status: criteria provided, single submitter. Criteria: ACMG Guidelines, 2015. Collection method: clinical testing. Allele origin: germline. Observed: 1 variant allele.
Comment: BP4, PM2, PM3_supporting

Athena Diagnostics
Classification: Uncertain significance. Last evaluated: 2016-09-07. Review status: criteria provided, single submitter. Criteria: Athena Diagnostics Criteria. Collection method: clinical testing. Allele origin: germline.

Literature cited by the submitters: PubMed 25589632 (cited by Labcorp Genetics (formerly Invitae), Labcorp); PubMed 23975875 (cited by Labcorp Genetics (formerly Invitae), Labcorp).

NM_001267550.2(TTN):c.104952A>C (p.Glu34984Asp)

Genes: TTN (titin; minus strand), TTN-AS1 (TTN antisense RNA 1; plus strand). Cytogenetic location: 2q31.2.
Variant type: single nucleotide variant.
Coding change: c.104952A>C on transcript NM_001267550.2 (MANE Select); coding-DNA position 104952, A replaced by C.
Protein change: p.Glu34984Asp; replaces glutamic acid 34984 with aspartic acid.
Molecular consequence: missense variant.
Genome position (GRCh38, 1-based): chr2:178,531,663, T>G on the plus strand (A>C on the coding strand, the complement: TTN is on the minus strand). VCF-style: chr2-178531663-T-G. GRCh37 (hg19) VCF-style: chr2-179396390-T-G.
Other names: p.Glu32416Asp; c.104952A>C (LRG_391t1); c.100029A>C, p.Glu33343Asp (NM_001256850.1); c.77757A>C, p.Glu25919Asp (NM_003319.4); c.97248A>C, p.Glu32416Asp (NM_133378.4); c.78132A>C, p.Glu26044Asp (NM_133432.3); c.78333A>C, p.Glu26111Asp (NM_133437.4); short protein forms E34984D, E26111D, E33343D, E26044D, E32416D, E25919D.
Identifiers: ClinVar variation 448766 (VCV000448766.15), dbSNP rs1434654451, ClinGen allele CA349409811.